The following is an entry in ClinVar:

ClinVar aggregate classification (germline): Uncertain significance (1 of 4 stars; one submission).

Conditions:
Developmental and epileptic encephalopathy, 69. Also called: EPILEPTIC ENCEPHALOPATHY, EARLY INFANTILE, 69. Identifiers: MedGen C4748988, MONDO:0032657, OMIM 618285.

Allele frequency attached by ClinVar (database versions not stated): gnomAD exomes below 0.00001 and 0.00001; TOPMed below 0.00001.
gnomAD v4.1: 1 of 1,551,186 alleles (0.000064%); highest among the groups gnomAD compares: South Asian, 0.0012%; no homozygotes.

Submission:

Victorian Clinical Genetics Services, Murdoch Childrens Research Institute
Classification: Uncertain significance for Developmental and epileptic encephalopathy, 69. Last evaluated: 2020-05-21. Review status: criteria provided, single submitter. Criteria: ACMG Guidelines, 2015. Collection method: clinical testing. Allele origin: germline. Inheritance: Autosomal dominant inheritance. Affected: yes.
Comment: Based on the classification scheme VCGS_Germline_v1.1.1, this variant is classified as 3C - VUS. Following criteria are met: 0101 - Gain-of-function is a known mechanism of disease for this gene. (N) 0107 - This gene is known to be associated with autosomal dominant disease. (N) 0200 - Variant is predicted to result in a missense amino acid change from an alanine to a valine (exon 20). (N) 0251 - Variant is heterozygous. (N) 0302 - Variant is present in gnomAD <0.001 for a dominant condition (1 heterozygote, 0 homozygote). (P) 0309 - An alternative amino acid change at the same position has been observed in gnomAD (2 heterozygotes, 0 homozygotes). (N) 0503 - Missense variant with conflicting in silicos and not conserved in mammals with a minor amino acid change. (B) 0604 - Variant is not located in an established domain, motif, hotspot or informative constraint region. (N) 0705 - No comparable variants have previous evidence for pathogenicity. (N) 0807 - Variant has not previously been reported in a clinical context. (N) 0905 - No segregation evidence has been identified for this variant. (N) 1007 - No published functional evidence has been identified for this variant. (N) 1208 - Inheritance information for this variant is not currently available. (N) Legend: (P) - Pathogenic, (N) - Neutral, (B) - Benign

NM_001205293.3(CACNA1E):c.2387C>T (p.Ala796Val)

Gene: CACNA1E (calcium voltage-gated channel subunit alpha1 E; plus strand). Cytogenetic location: 1q25.3.
Variant type: single nucleotide variant.
Coding change: c.2387C>T on transcript NM_001205293.3 (MANE Select); coding-DNA position 2387, C replaced by T.
Protein change: p.Ala796Val; replaces alanine 796 with valine.
Molecular consequence: missense variant.
Genome position (GRCh38, 1-based): chr1:181,732,473, C>T. VCF-style: chr1-181732473-C-T. GRCh37 (hg19) VCF-style: chr1-181701609-C-T.
Other names: c.2387C>T, p.Ala796Val (NM_000721.4); c.2330C>T, p.Ala777Val (NM_001205294.2); short protein forms A777V, A796V.
Identifiers: ClinVar variation 1699002 (VCV001699002.3), dbSNP rs1320817023, ClinGen allele CA343617241.